The following is an entry in ClinVar:

ClinVar aggregate classification (germline): Likely benign. Review status: criteria provided, multiple submitters, no conflicts (2 of 4 stars). 11 submissions from 11 submitters: Likely benign (11). Last evaluated 2026-01-26.

Conditions:
Polymerase proofreading-related adenomatous polyposis. Also called: Polymerase proofreading associated polyposis; Polymerase proofreading–associated polyposis (PPAP). Identifiers: Orphanet 447877, MedGen C5202613, MONDO:0018653.
Familial colorectal cancer type X. Identifiers: Orphanet 440437, MedGen C3896578, MONDO:0018604.
Hereditary cancer-predisposing syndrome. Also called: Neoplastic Syndromes, Hereditary; Hereditary neoplastic syndrome; Tumor predisposition; Hereditary Cancer Syndrome. Identifiers: Orphanet 140162, MedGen C0027672, MeSH D009386, MONDO:0015356.

Allele frequency attached by ClinVar (database versions not stated): TOPMed 0.00003; ExAC 0.00004; gnomAD 0.00004 and 0.00005; gnomAD exomes 0.00004.
gnomAD v4.1: 94 of 1,608,894 alleles (0.0058%); highest among the groups gnomAD compares: Middle Eastern, 0.016%; no homozygotes.

Submissions (11):

Labcorp Genetics (formerly Invitae), Labcorp
Classification: Likely benign. Last evaluated: 2026-01-26. Review status: criteria provided, single submitter. Criteria: Invitae Variant Classification Sherloc (09022015). Collection method: clinical testing. Allele origin: germline.

Center for Genomic Medicine, Rigshospitalet, Copenhagen University Hospital
Classification: Likely benign. Last evaluated: 2025-03-04. Review status: criteria provided, single submitter. Criteria: ACMG Guidelines, 2015. Collection method: clinical testing. Allele origin: germline.

Blueprint Genetics
Classification: Likely benign. Last evaluated: 2024-03-21. Review status: criteria provided, single submitter. Criteria: ACMG Guidelines, 2015. Collection method: clinical testing. Allele origin: germline.

Department of Pathology and Laboratory Medicine, Sinai Health System
Classification: Likely benign for Polymerase proofreading-related adenomatous polyposis; Familial colorectal cancer type X. Last evaluated: 2022-04-06. Review status: criteria provided, single submitter. Criteria: ACMG Guidelines, 2015. Collection method: clinical testing. Allele origin: germline. Affected: yes.

CeGaT Center for Human Genetics Tuebingen
Classification: Likely benign. Last evaluated: 2022-03-01. Review status: criteria provided, single submitter. Criteria: CeGaT Center For Human Genetics Tuebingen Variant Classification Criteria Version 2. Collection method: clinical testing. Allele origin: germline. Affected: yes. Observed: 1 variant allele.
Comment: POLE: BP4, BP7

Sema4
Classification: Likely benign for Hereditary cancer-predisposing syndrome. Last evaluated: 2021-03-18. Review status: criteria provided, single submitter. Criteria: Sema4 Curation Guidelines. Collection method: curation. Allele origin: germline.

Genetic Services Laboratory, University of Chicago
Classification: Likely benign. Last evaluated: 2020-01-14. Review status: criteria provided, single submitter. Criteria: ACMG Guidelines, 2015. Collection method: clinical testing. Allele origin: germline. Affected: no.

GeneDx
Classification: Likely benign. Last evaluated: 2019-02-11. Review status: criteria provided, single submitter. Criteria: GeneDx Variant Classification Process June 2021. Collection method: clinical testing. Allele origin: germline. Affected: yes.

Quest Diagnostics Nichols Institute San Juan Capistrano
Classification: Likely benign. Last evaluated: 2017-06-14. Review status: criteria provided, single submitter. Criteria: Quest Diagnostics criteria. Collection method: clinical testing. Allele origin: germline.

PreventionGenetics, part of Exact Sciences
Classification: Likely benign. Last evaluated: 2017-06-01. Review status: criteria provided, single submitter. Criteria: ACMG Guidelines, 2015. Collection method: clinical testing. Allele origin: germline.

Ambry Genetics
Classification: Likely benign for Hereditary cancer-predisposing syndrome. Last evaluated: 2015-08-10. Review status: criteria provided, single submitter. Criteria: Ambry Variant Classification Scheme 2023. Collection method: clinical testing. Allele origin: germline.

NM_006231.4(POLE):c.6018C>T (p.Ala2006=)

Gene: POLE (DNA polymerase epsilon, catalytic subunit; minus strand). Cytogenetic location: 12q24.33.
Variant type: single nucleotide variant.
Coding change: c.6018C>T on transcript NM_006231.4 (MANE Select); coding-DNA position 6018, C replaced by T.
Protein change: p.Ala2006=; no amino-acid change (alanine 2006 retained).
Molecular consequence: synonymous variant.
Genome position (GRCh38, 1-based): chr12:132,632,782, G>A on the plus strand (C>T on the coding strand, the complement: POLE is on the minus strand). VCF-style: chr12-132632782-G-A. GRCh37 (hg19) VCF-style: chr12-133209368-G-A.
Identifiers: ClinVar variation 393042 (VCV000393042.49), dbSNP rs111709550, ClinGen allele CA6892308.